The following is an entry in ClinVar:

NM_000237.3(LPL):c.*1224C>A

Gene: LPL (lipoprotein lipase; plus strand). Cytogenetic location: 8p21.3.
Variant type: single nucleotide variant.
Coding change: c.*1224C>A on transcript NM_000237.3 (MANE Select); 1224 bases downstream of the stop codon, C replaced by A.
Molecular consequence: 3 prime UTR variant.
Genome position (GRCh38, 1-based): chr8:19,966,534, C>A. VCF-style: chr8-19966534-C-A. GRCh37 (hg19) VCF-style: chr8-19824045-C-A.
Identifiers: ClinVar variation 362440 (VCV000362440.8), dbSNP rs3735964, ClinGen allele CA10627408.

ClinVar aggregate classification (germline): Benign. Review status: criteria provided, multiple submitters, no conflicts (2 of 4 stars). 3 submissions from 3 submitters: Benign (3). Last evaluated 2020-06-03.

Conditions:
Hyperlipoproteinemia, type I. Also called: Lipoprotein Lipase Deficiency; Lipase D deficiency; Familial hyperlipo-proteinemia type 1; Hyperlipemia essential familial; Familial Lipoprotein Lipase Deficiency; Hyperlipoproteinemia type 1. Identifiers: Orphanet 309015, Orphanet 444490, MedGen C0023817, MONDO:0009387, OMIM 238600. Disease mechanism: loss of function.

Allele frequency attached by ClinVar (database versions not stated): gnomAD 0.09121 and 0.09159; TOPMed 0.08934; 1000 Genomes Project 30x 0.09213; 1000 Genomes Project 0.09026.

Submissions (3):

GeneDx
Classification: Benign. Last evaluated: 2020-06-03. Review status: criteria provided, single submitter. Criteria: GeneDx Variant Classification Process June 2021. Collection method: clinical testing. Allele origin: germline. Affected: yes.
Comment: This variant is associated with the following publications: (PMID: 25814643)

Illumina Laboratory Services, Illumina
Classification: Benign for Hyperlipoproteinemia, type I. Last evaluated: 2018-01-12. Review status: criteria provided, single submitter. Criteria: ICSL Variant Classification Criteria 13 December 2019. Collection method: clinical testing. Allele origin: germline.
Comment: This variant was observed in the ICSL laboratory as part of a predisposition screen in an ostensibly healthy population. It had not been previously curated by ICSL or reported in the Human Gene Mutation Database (HGMD: prior to June 1st, 2018), and was therefore a candidate for classification through an automated scoring system. Utilizing variant allele frequency, disease prevalence and penetrance estimates, and inheritance mode, an automated score was calculated to assess if this variant is too frequent to cause the disease. Based on the score and internal cut-off values, a variant classified as benign is not then subjected to further curation. The score for this variant resulted in a classification of benign for this disease.

Breakthrough Genomics
Classification: Benign. Review status: criteria provided, single submitter. Criteria: ACMG Guidelines, 2015. Collection method: not provided. Allele origin: germline. Inheritance: Autosomal recessive inheritance. Affected: yes.